The following is an entry in ClinVar:

ClinVar aggregate classification (germline): Pathogenic (1 of 4 stars; one submission).

Conditions:
Nemaline myopathy 10 (NEM10). Identifiers: MedGen C4015360, MONDO:0014513, OMIM 616165.

Submission:

Labcorp Genetics (formerly Invitae), Labcorp
Classification: Pathogenic for Nemaline myopathy 10. Last evaluated: 2017-07-16. Review status: criteria provided, single submitter. Criteria: Invitae Variant Classification Sherloc (09022015). Collection method: clinical testing. Allele origin: germline.
Comment: For these reasons, this variant has been classified as Pathogenic. Loss-of-function variants in LMOD3 are known to be pathogenic (PMID: 25250574). This variant has not been reported in the literature in individuals with LMOD3-related disease. This variant is not present in population databases (ExAC no frequency). This sequence change creates a premature translational stop signal (p.Glu121Alafs*3) in the LMOD3 gene. It is expected to result in an absent or disrupted protein product.

Literature cited by the submitters: PubMed 25250574.

NM_198271.5(LMOD3):c.362_366del (p.Glu121fs)

Gene: LMOD3 (leiomodin 3; minus strand). Cytogenetic location: 3p14.1.
Variant type: Microsatellite.
Coding change: c.362_366del on transcript NM_198271.5 (MANE Select); coding-DNA positions 362 to 366, 5 bases deleted (AAAAG; older notation c.362_366delAAAAG).
Protein change: p.Glu121fs; shifts the reading frame from glutamic acid 121.
Molecular consequence: frameshift variant.
Genome position (GRCh38, 1-based): chr3:69,119,989-69,119,993, CTTTT deleted on the plus strand (AAAAG on the coding strand, the reverse complement: LMOD3 is on the minus strand); deleting any 5 consecutive bases within chr3:69,119,989-69,119,998 gives the same sequence; the c. name uses the placement nearest the transcript's 3' end. VCF-style (leftmost placement, unchanged base first): chr3-69119988-GCTTTT-G. GRCh37 (hg19) VCF-style: chr3-69169139-GCTTTT-G.
Other names: c.362_366delAAAAG (NM_198271.4); c.362_366del, p.Glu121fs (NM_001304418.3); short protein forms E121fs.
Identifiers: ClinVar variation 475319 (VCV000475319.5), dbSNP rs1274699363, ClinGen allele CA544004937.
Genomic context (GRCh38, chr3:69,119,988, plus strand): 5'-TTTCTTGGATATTGCTGCTGCCCTTTGATTCTCTTTTATTTGCAACTATTTCATTATTGA[GCTTTT>G]CTTTTAAATACTGGGCCATATTTTTATTACGTTTTTCTATTTCTTCATGCTCTTCTTGAG-3'